The following is an entry in ClinVar:

ClinVar aggregate classification (germline): Uncertain significance (1 of 4 stars; one submission).

Submission:

Ambry Genetics
Classification: Uncertain significance. Last evaluated: 2025-07-28. Review status: criteria provided, single submitter. Criteria: Ambry Variant Classification Scheme 2023. Collection method: clinical testing. Allele origin: germline.
Comment: The p.M120V variant (also known as c.358A>G), located in coding exon 3 of the GEN1 gene, results from an A to G substitution at nucleotide position 358. The methionine at codon 120 is replaced by valine, an amino acid with highly similar properties. This amino acid position is conserved. In addition, this alteration is predicted to be tolerated by in silico analysis. Based on the available evidence, the clinical significance of this variant remains unclear.

NM_001130009.3(GEN1):c.358A>G (p.Met120Val)

Gene: GEN1 (GEN1 Holliday junction 5' flap endonuclease; plus strand). Cytogenetic location: 2p24.2.
Variant type: single nucleotide variant.
Coding change: c.358A>G on transcript NM_001130009.3 (MANE Select); coding-DNA position 358, A replaced by G.
Protein change: p.Met120Val; replaces methionine 120 with valine.
Molecular consequence: missense variant.
Genome position (GRCh38, 1-based): chr2:17,764,906, A>G. VCF-style: chr2-17764906-A-G. GRCh37 (hg19) VCF-style: chr2-17946173-A-G.
Other names: c.358A>G, p.Met120Val (NM_182625.5); short protein forms M120V.
Identifiers: ClinVar variation 4263046 (VCV004263046.1).